The following is an entry in ClinVar:

ClinVar aggregate classification (germline): Uncertain significance (1 of 4 stars; one submission).

Conditions:
Hereditary cancer-predisposing syndrome. Also called: Neoplastic Syndromes, Hereditary; Tumor predisposition; Hereditary neoplastic syndrome; Hereditary Cancer Syndrome. Identifiers: Orphanet 140162, MedGen C0027672, MeSH D009386, MONDO:0015356.

Submission:

Ambry Genetics
Classification: Uncertain significance for Hereditary cancer-predisposing syndrome. Last evaluated: 2026-08-29. Review status: criteria provided, single submitter. Criteria: Ambry Variant Classification Scheme 2023. Collection method: clinical testing. Allele origin: germline.
Comment: The p.P798A variant (also known as c.2392C>G), located in coding exon 5 of the PALB2 gene, results from a C to G substitution at nucleotide position 2392. The proline at codon 798 is replaced by alanine, an amino acid with highly similar properties. This amino acid position is conserved. In addition, this alteration is predicted to be tolerated by in silico analysis. Based on the available evidence, the clinical significance of this variant remains unclear.

NM_024675.4(PALB2):c.2392C>G (p.Pro798Ala)

Gene: PALB2 (partner and localizer of BRCA2; minus strand). Cytogenetic location: 16p12.2.
Variant type: single nucleotide variant.
Coding change: c.2392C>G on transcript NM_024675.4 (MANE Select); coding-DNA position 2392, C replaced by G.
Protein change: p.Pro798Ala; replaces proline 798 with alanine.
Molecular consequence: missense variant. On other transcripts: intron variant (1).
Genome position (GRCh38, 1-based): chr16:23,629,762, G>C on the plus strand (C>G on the coding strand, the complement: PALB2 is on the minus strand). VCF-style: chr16-23629762-G-C. GRCh37 (hg19) VCF-style: chr16-23641083-G-C.
Other names: c.2332C>G, p.Pro778Ala (NM_001407296.1); c.2392C>G, p.Pro798Ala (NM_001407297.1, NM_001407298.1, NM_001407299.1 and 3 more transcripts); c.1507C>G, p.Pro503Ala (NM_001407310.1, NM_001407311.1, NM_001407304.1 and 5 more transcripts); c.604C>G, p.Pro202Ala (NM_001407312.1, NM_001407313.1); c.49-487C>G (NM_001407314.1); short protein forms P202A, P503A, P798A, P778A.
Identifiers: ClinVar variation 5026198 (VCV005026198.1).